The following is an entry in ClinVar:

ClinVar aggregate classification (germline): Pathogenic. Review status: criteria provided, multiple submitters, no conflicts (2 of 4 stars). 2 submissions from 2 submitters: Pathogenic (2). Last evaluated 2024-06-07.

Conditions:
Mucopolysaccharidosis, MPS-II (MPS2). Also called: Mucopolysaccharidosis type 2; Hunter Syndrome; IDURONATE 2-SULFATASE DEFICIENCY; Mucopolysaccharidosis Type II; IDS deficiency; Sulfoiduronate sulfatase deficiency. Identifiers: Orphanet 580, Orphanet 79388, MedGen C0026705, MONDO:0010674, OMIM 309900.

Submissions (2):

Laboratory of Diagnosis and Therapy of Lysosomal Disorders, University of Padova
Classification: Pathogenic for Mucopolysaccharidosis, MPS-II. Last evaluated: 2024-06-07. Review status: criteria provided, single submitter. Criteria: ACMG Guidelines, 2015. Collection method: literature only. Allele origin: germline. Affected: yes. Observed: 1 variant allele.
Comment: Null variant (PVS1_VeryStrong), Absent from controls (or at low frequency) in gnomAD database (PM2_Moderate), Patient’s phenotype or family history highly specific for the disease (PP4_Moderate)

Classification method: ACMG Guidelines [PMID:25741868] with modifications

Department of Medical Genetics, Sanjay Gandhi Post Graduate Institute of Medical Sciences
Classification: Pathogenic for Mucopolysaccharidosis, MPS-II. Review status: criteria provided, single submitter. Criteria: ACMG Guidelines, 2015. Collection method: clinical testing. Allele origin: germline. Inheritance: X-linked recessive inheritance. Affected: yes. Observed: 1 variant allele, 1 hemizygote.

Literature cited by the submitters: PubMed 35144014 (cited by Laboratory of Diagnosis and Therapy of Lysosomal Disorders, University of Padova).

NM_000202.8(IDS):c.152_236del (p.Leu51fs)

Gene: IDS (iduronate 2-sulfatase; minus strand). Cytogenetic location: Xq28.
Variant type: Deletion.
Coding change: c.152_236del on transcript NM_000202.8 (MANE Select); coding-DNA positions 152 to 236, 85 bases deleted.
Protein change: p.Leu51fs; shifts the reading frame from leucine 51.
Molecular consequence: frameshift variant. On other transcripts: initiator codon variant (1), non-coding transcript variant (1).
Genome position (GRCh38, 1-based): chrX:149,504,161-149,504,245, 85 bases deleted. GRCh37 (hg19): chrX:148,585,692-148,585,776.
Other names: c.-75_10del, p.Met1fs (NM_001166550.4); c.152_236del, p.Leu51fs (NM_006123.5); short protein forms L51fs, M1fs.
Identifiers: ClinVar variation 997036 (VCV000997036.4), dbSNP rs2124065699, ClinGen allele CA2499226401.